The following is an entry in ClinVar:

ClinVar aggregate classification (germline): Uncertain significance. Review status: criteria provided, multiple submitters, no conflicts (2 of 4 stars). 2 submissions from 2 submitters: Uncertain significance (2). Last evaluated 2022-03-27.

Conditions:
Progressive myoclonic epilepsy. Also called: Familial progressive myoclonic epilepsy; Progressive myoclonus epilepsy; Myoclonic Epilepsies, Progressive; Myoclonus epilepsy. Identifiers: Orphanet 308, Orphanet 98261, MedGen C0751778, MONDO:0020074.

Allele frequency attached by ClinVar (database versions not stated): gnomAD exomes below 0.00001 and 0.00001; ExAC 0.00001; gnomAD 0.00001; TOPMed 0.00001; ESP Exome Variant Server 0.00008.
gnomAD v4.1: 8 of 1,613,786 alleles (0.0005%); highest among the groups gnomAD compares: Non-Finnish European, 0.00068%; no homozygotes.

Submissions (2):

Labcorp Genetics (formerly Invitae), Labcorp
Classification: Uncertain significance for Progressive myoclonic epilepsy. Last evaluated: 2022-03-27. Review status: criteria provided, single submitter. Criteria: Invitae Variant Classification Sherloc (09022015). Collection method: clinical testing. Allele origin: germline.
Comment: In summary, the available evidence is currently insufficient to determine the role of this variant in disease. Therefore, it has been classified as a Variant of Uncertain Significance. Algorithms developed to predict the effect of sequence changes on RNA splicing suggest that this variant may create or strengthen a splice site. Algorithms developed to predict the effect of missense changes on protein structure and function are either unavailable or do not agree on the potential impact of this missense change (SIFT: "Deleterious"; PolyPhen-2: "Benign"; Align-GVGD: "Class C25"). ClinVar contains an entry for this variant (Variation ID: 1313235). This variant has not been reported in the literature in individuals affected with EPM2A-related conditions. This variant is present in population databases (rs147645370, gnomAD 0.002%). This sequence change replaces leucine, which is neutral and non-polar, with valine, which is neutral and non-polar, at codon 166 of the EPM2A protein (p.Leu166Val).

GeneDx
Classification: Uncertain significance. Last evaluated: 2020-10-08. Review status: criteria provided, single submitter. Criteria: GeneDx Variant Classification Process June 2021. Collection method: clinical testing. Allele origin: germline. Affected: yes.
Comment: Not observed at a significant frequency in large population cohorts (Lek et al., 2016); In silico analysis supports that this missense variant does not alter protein structure/function; Has not been previously published as pathogenic or benign to our knowledge

NM_005670.4(EPM2A):c.496C>G (p.Leu166Val)

Gene: EPM2A (EPM2A glucan phosphatase, laforin; minus strand). Cytogenetic location: 6q24.3.
Variant type: single nucleotide variant.
Coding change: c.496C>G on transcript NM_005670.4 (MANE Select); coding-DNA position 496, C replaced by G.
Protein change: p.Leu166Val; replaces leucine 166 with valine.
Molecular consequence: missense variant. On other transcripts: intron variant (1).
Genome position (GRCh38, 1-based): chr6:145,635,467, G>C on the plus strand (C>G on the coding strand, the complement: EPM2A is on the minus strand). VCF-style: chr6-145635467-G-C. GRCh37 (hg19) VCF-style: chr6-145956603-G-C.
Other names: c.477-7774C>G (NM_001360057.2); c.496C>G, p.Leu166Val (NM_001018041.2, NM_001368130.1); c.82C>G, p.Leu28Val (NM_001360064.2, NM_001360071.2, NM_001368131.1); c.34C>G, p.Leu12Val (NM_001368129.2, NM_001368132.1); short protein forms L12V, L166V, L28V.
Identifiers: ClinVar variation 1313235 (VCV001313235.6), dbSNP rs147645370, ClinGen allele CA4035145.
Genomic context (GRCh38, chr6:145,635,467, plus strand): 5'-TCCCCAATTCATGCTTCAGTTTGATGGTTACATGTTCCACCTGACGAGGGCAGCTACCCA[G>C]CCAGATATTTGGTAGAATTCTAATGAGAACATATGGAGACAACTATCACTAGTGTTGTTC-3'
Protein context (NP_005661.1, residues 156-176): HYSRILPNIW[Leu166Val]GSCPRQVEHV